The following is an entry in ClinVar:

NM_001018115.3(FANCD2):c.998G>T (p.Gly333Val)

Genes: FANCD2 (FA complementation group D2; plus strand), LOC107303338 (3p25 FANCD2 Alu-mediated recombination region; plus strand). Cytogenetic location: 3p25.3.
Variant type: single nucleotide variant.
Coding change: c.998G>T on transcript NM_001018115.3 (MANE Select); coding-DNA position 998, G replaced by T.
Protein change: p.Gly333Val; replaces glycine 333 with valine.
Molecular consequence: missense variant.
Genome position (GRCh38, 1-based): chr3:10,043,492, G>T. VCF-style: chr3-10043492-G-T. GRCh37 (hg19) VCF-style: chr3-10085176-G-T.
Other names: c.998G>T, p.Gly333Val (NM_001319984.2, NM_001374253.1, NM_001374254.1 and 1 more transcripts); short protein forms G333V.
Identifiers: ClinVar variation 3668567 (VCV003668567.2).

ClinVar aggregate classification (germline): Uncertain significance (1 of 4 stars; one submission).

Conditions:
Fanconi anemia (FA). Also called: Fanconi's anemia. Identifiers: Orphanet 84, MedGen C0015625, MeSH D005199, MONDO:0019391.

Submission:

Labcorp Genetics (formerly Invitae), Labcorp
Classification: Uncertain significance for Fanconi anemia. Last evaluated: 2024-11-13. Review status: criteria provided, single submitter. Criteria: Invitae Variant Classification Sherloc (09022015). Collection method: clinical testing. Allele origin: germline.
Comment: This sequence change replaces glycine, which is neutral and non-polar, with valine, which is neutral and non-polar, at codon 333 of the FANCD2 protein (p.Gly333Val). This variant is not present in population databases (gnomAD no frequency). This variant has not been reported in the literature in individuals affected with FANCD2-related conditions. An algorithm developed to predict the effect of missense changes on protein structure and function (PolyPhen-2) suggests that this variant is likely to be tolerated. Algorithms developed to predict the effect of sequence changes on RNA splicing suggest that this variant may disrupt the consensus splice site. In summary, the available evidence is currently insufficient to determine the role of this variant in disease. Therefore, it has been classified as a Variant of Uncertain Significance.